The following is an entry in ClinVar:

ClinVar aggregate classification (germline): Uncertain significance (1 of 4 stars; one submission).

Conditions:
Loeys-Dietz syndrome 4 (LDS4). Also called: ANEURYSM, AORTIC AND CEREBRAL, WITH ARTERIAL TORTUOSITY AND SKELETAL MANIFESTATIONS; TGFB2-Related Loeys-Dietz Syndrome. Identifiers: MedGen C3553762, MONDO:0013897, OMIM 614816.

Submission:

Labcorp Genetics (formerly Invitae), Labcorp
Classification: Uncertain significance for Loeys-Dietz syndrome 4. Last evaluated: 2022-11-09. Review status: criteria provided, single submitter. Criteria: Invitae Variant Classification Sherloc (09022015). Collection method: clinical testing. Allele origin: germline.
Comment: This variant is not present in population databases (gnomAD no frequency). This sequence change replaces aspartic acid, which is acidic and polar, with histidine, which is basic and polar, at codon 384 of the TGFB2 protein (p.Asp384His). In summary, the available evidence is currently insufficient to determine the role of this variant in disease. Therefore, it has been classified as a Variant of Uncertain Significance. Advanced modeling of protein sequence and biophysical properties (such as structural, functional, and spatial information, amino acid conservation, physicochemical variation, residue mobility, and thermodynamic stability) performed at Invitae indicates that this missense variant is not expected to disrupt TGFB2 protein function. This variant is also known as c.1234G>C (p.Asp412His). This missense change has been observed in individual(s) with clinical features of Loeys-Dietz syndrome (PMID: 29392890).

Literature cited by the submitters: PubMed 29392890.

NM_003238.6(TGFB2):c.1150G>C (p.Asp384His)

Gene: TGFB2 (transforming growth factor beta 2; plus strand). Cytogenetic location: 1q41.
Variant type: single nucleotide variant.
Coding change: c.1150G>C on transcript NM_003238.6 (MANE Select); coding-DNA position 1150, G replaced by C.
Protein change: p.Asp384His; replaces aspartic acid 384 with histidine.
Molecular consequence: missense variant. On other transcripts: non-coding transcript variant (2).
Genome position (GRCh38, 1-based): chr1:218,441,267, G>C. VCF-style: chr1-218441267-G-C. GRCh37 (hg19) VCF-style: chr1-218614609-G-C.
Other names: c.1234G>C, p.Asp412His (NM_001135599.4); short protein forms D412H, D384H.
Identifiers: ClinVar variation 2910134 (VCV002910134.3), dbSNP rs2464890053, ClinGen allele CA344727891.